The following is an entry in ClinVar:

ClinVar aggregate classification (germline): Likely benign (0 of 4 stars; one submission).

Conditions:
BCORL1-related disorder. Also called: BCORL1-related condition.

Allele frequency attached by ClinVar (database versions not stated): ExAC 0.00010; gnomAD exomes 0.00013; gnomAD 0.00027; ESP Exome Variant Server 0.00028; TOPMed 0.00034.
gnomAD v4.1: 179 of 1,209,142 alleles (0.015%); highest among the groups gnomAD compares: African/African-American, 0.086%; no homozygotes.

Submission:

PreventionGenetics, part of Exact Sciences
Classification: Likely benign for BCORL1-related condition. Last evaluated: 2019-10-28. Review status: no assertion criteria provided. Collection method: clinical testing. Allele origin: germline.
Comment: This variant is classified as likely benign based on ACMG/AMP sequence variant interpretation guidelines (Richards et al. 2015 PMID: 25741868, with internal and published modifications).

NM_001379451.1(BCORL1):c.1947C>T (p.Pro649=)

Gene: BCORL1 (BCL6 corepressor like 1; plus strand). Cytogenetic location: Xq26.1.
Variant type: single nucleotide variant.
Coding change: c.1947C>T on transcript NM_001379451.1 (MANE Select); coding-DNA position 1947, C replaced by T.
Protein change: p.Pro649=; no amino-acid change (proline 649 retained).
Molecular consequence: synonymous variant.
Genome position (GRCh38, 1-based): chrX:130,014,719, C>T. VCF-style: chrX-130014719-C-T. GRCh37 (hg19) VCF-style: chrX-129148695-C-T.
Other names: c.1947C>T, p.Pro649= (NM_001184772.3, NM_001379450.1, NM_021946.5).
Identifiers: ClinVar variation 3045074 (VCV003045074.2), dbSNP rs148645627, ClinGen allele CA10514307.